The following is an entry in ClinVar:

NM_000062.3(SERPING1):c.685+1100C>T

Gene: SERPING1 (serpin family G member 1; plus strand). Cytogenetic location: 11q12.1.
Variant type: single nucleotide variant.
Coding change: c.685+1100C>T on transcript NM_000062.3 (MANE Select); 1100 bases into the intron after coding-DNA position 685, C replaced by T.
Molecular consequence: intron variant.
Genome position (GRCh38, 1-based): chr11:57,603,269, C>T. VCF-style: chr11-57603269-C-T. GRCh37 (hg19) VCF-style: chr11-57370742-C-T.
Other names: c.685+1100C>T (NM_001032295.2).
Identifiers: ClinVar variation 983245 (VCV000983245.2), dbSNP rs78364821, ClinGen allele CA13383181.

ClinVar aggregate classification (germline): Benign (1 of 4 stars; one submission).

Conditions:
Hereditary angioedema type 1 (HAE1). Identifiers: Orphanet 100050, Orphanet 100051, Orphanet 91378, MedGen C2717906, MONDO:0015053, OMIM 106100.

Allele frequency attached by ClinVar (database versions not stated): 1000 Genomes Project 0.14976; TOPMed 0.19776; gnomAD 0.21139 and 0.21309.
gnomAD v4.1: 32,005 of 151,062 alleles (21%); highest among the groups gnomAD compares: Non-Finnish European, 27%; 3,792 homozygotes.

Submission:

CeMIA
Classification: Benign for Hereditary angioedema type 1. Review status: criteria provided, single submitter. Criteria: ACMG Guidelines, 2015. Collection method: clinical testing. Allele origin: germline. Affected: yes.
Comment: This variant is considered likely benign or benign based on one or more of the following criteria: allele frequency is >5% in Exome Sequencing Project, 1000 Genomes Project, or Exome Aggregation Consortium (BA1), allele frequency is greater than expected for disorder (BS1), it is observed in a healthy adult individual (BS2), it is predicted to be benign by multiple in silico algorithms (BP4), it is found in a case with an alternate molecular basis for the disease (BP5) and/or reputable source recently reports variant as benign (BP6).

Literature cited by the submitters: PubMed 31959500.